The following is an entry in ClinVar:

NM_001374736.1(DST):c.1822A>C (p.Ser608Arg)

Gene: DST (dystonin; minus strand). Cytogenetic location: 6p12.1.
Variant type: single nucleotide variant.
Coding change: c.1822A>C on transcript NM_001374736.1 (MANE Select); coding-DNA position 1822, A replaced by C.
Protein change: p.Ser608Arg; replaces serine 608 with arginine.
Molecular consequence: missense variant.
Genome position (GRCh38, 1-based): chr6:56,642,460, T>G on the plus strand (A>C on the coding strand, the complement: DST is on the minus strand). VCF-style: chr6-56642460-T-G. GRCh37 (hg19) VCF-style: chr6-56507258-T-G.
Other names: c.1723A>C, p.Ser575Arg (NM_001144769.5); c.1309A>C, p.Ser437Arg (NM_001144770.2); c.1822A>C, p.Ser608Arg (NM_001374722.1); c.1189A>C, p.Ser397Arg (NM_001374729.1, NM_001374730.1, NM_001386100.1 and 1 more transcripts); c.1849A>C, p.Ser617Arg (NM_001374734.1); c.211A>C, p.Ser71Arg (NM_001723.7, NM_015548.5); short protein forms S437R, S71R, S617R, S397R, S575R, S608R.
Identifiers: ClinVar variation 840687 (VCV000840687.1), dbSNP rs1373255277, ClinGen allele CA364615281.

ClinVar aggregate classification (germline): Uncertain significance (1 of 4 stars; one submission).

Conditions:
Hereditary sensory and autonomic neuropathy type 6. Also called: HSAN VI; Neuropathy, hereditary sensory and autonomic, type VI. Identifiers: Orphanet 314381, MedGen C3539003, MONDO:0013839, OMIM 614653.
Epidermolysis bullosa simplex 3, localized or generalized intermediate, with BP230 deficiency (EBS3). Also called: Epidermolysis bullosa simplex due to BP230 deficiency; Epidermolysis bullosa simplex, autosomal recessive 2. Identifiers: Orphanet 412181, MedGen C3809470, MONDO:0014180, OMIM 615425.

Submission:

Labcorp Genetics (formerly Invitae), Labcorp
Classification: Uncertain significance for Epidermolysis bullosa simplex, autosomal recessive 2; Neuropathy, hereditary sensory and autonomic, type VI. Last evaluated: 2019-12-12. Review status: criteria provided, single submitter. Criteria: Invitae Variant Classification Sherloc (09022015). Collection method: clinical testing. Allele origin: germline.
Comment: This sequence change replaces serine with arginine at codon 71 of the DST protein (p.Ser71Arg). The serine residue is highly conserved and there is a moderate physicochemical difference between serine and arginine. This variant is not present in population databases (ExAC no frequency). This variant has not been reported in the literature in individuals with DST-related conditions. Algorithms developed to predict the effect of missense changes on protein structure and function (SIFT, PolyPhen-2, Align-GVGD) all suggest that this variant is likely to be disruptive, but these predictions have not been confirmed by published functional studies and their clinical significance is uncertain. In summary, the available evidence is currently insufficient to determine the role of this variant in disease. Therefore, it has been classified as a Variant of Uncertain Significance.